The following is an entry in ClinVar:

ClinVar aggregate classification (germline): Uncertain significance. Review status: criteria provided, multiple submitters, no conflicts (2 of 4 stars). 3 submissions from 3 submitters: Uncertain significance (3). Last evaluated 2022-12-02.

Conditions:
Developmental and epileptic encephalopathy, 31A. Also called: Epileptic encephalopathy, early infantile, 31; Developmental and epileptic encephalopathy, 31. Identifiers: Orphanet 2382, MedGen C4225357, MONDO:0014598, OMIM 616346.

Allele frequency attached by ClinVar (database versions not stated): TOPMed below 0.00001.
gnomAD v4.1: 3 of 1,613,076 alleles (0.00019%); highest among the groups gnomAD compares: Non-Finnish European, 0.00025%; no homozygotes.

Submissions (3):

GeneDx
Classification: Uncertain significance. Last evaluated: 2022-12-02. Review status: criteria provided, single submitter. Criteria: GeneDx Variant Classification Process June 2021. Collection method: clinical testing. Allele origin: germline. Affected: yes.
Comment: In silico analysis supports a deleterious effect on splicing; Has not been previously published as pathogenic or benign to our knowledge

Labcorp Genetics (formerly Invitae), Labcorp
Classification: Uncertain significance for Developmental and epileptic encephalopathy, 31A. Last evaluated: 2022-07-06. Review status: criteria provided, single submitter. Criteria: Invitae Variant Classification Sherloc (09022015). Collection method: clinical testing. Allele origin: germline.
Comment: ClinVar contains an entry for this variant (Variation ID: 625930). In summary, the available evidence is currently insufficient to determine the role of this variant in disease. Therefore, it has been classified as a Variant of Uncertain Significance. Algorithms developed to predict the effect of sequence changes on RNA splicing suggest that this variant may create or strengthen a splice site. This variant has not been reported in the literature in individuals affected with DNM1-related conditions. This variant is not present in population databases (gnomAD no frequency). This sequence change affects codon 624 of the DNM1 mRNA. It is a 'silent' change, meaning that it does not change the encoded amino acid sequence of the DNM1 protein.

Center for Genomics, Ann and Robert H. Lurie Children's Hospital of Chicago
Classification: Uncertain significance for Developmental and epileptic encephalopathy, 31A. Last evaluated: 2021-03-30. Review status: criteria provided, single submitter. Criteria: ACMG Guidelines, 2015. Collection method: clinical testing. Allele origin: germline.
Comment: DNM1 NM_001005336.2 exon 16 p.Gly624Gly (c.1872C>T): This variant has not been reported in the literature and is not present in large control databases. Evolutionary conservation and computational predictive tools for this variant are limited or unavailable. Of note, this variant is a silent variant and does not change the amino acid, reducing the probability that this variant is disease causing. In summary, data on this variant is insufficient for disease classification. Therefore, the clinical significance of this variant is uncertain.

NM_004408.4(DNM1):c.1872C>T (p.Gly624=)

Gene: DNM1 (dynamin 1; plus strand). Cytogenetic location: 9q34.11.
Variant type: single nucleotide variant.
Coding change: c.1872C>T on transcript NM_004408.4 (MANE Select); coding-DNA position 1872, C replaced by T.
Protein change: p.Gly624=; no amino-acid change (glycine 624 retained).
Molecular consequence: synonymous variant.
Genome position (GRCh38, 1-based): chr9:128,247,465, C>T. VCF-style: chr9-128247465-C-T. GRCh37 (hg19) VCF-style: chr9-131009744-C-T.
Other names: c.1872C>T, p.Gly624= (NM_001005336.3, NM_001288737.2, NM_001288738.2 and 1 more transcripts); c.1872C>T (NM_004408.3).
Identifiers: ClinVar variation 625930 (VCV000625930.16), dbSNP rs1367619284, ClinGen allele CA467283174.
Genomic context (GRCh38, chr9:128,247,465, plus strand): 5'-GCTAGCCTGTGAGACACAGGAGGAGGTGGACAGCTGGAAGGCCTCCTTCCTGAGGGCTGG[C>T]GTGTACCCTGAGCGTGTTGGGGTGAGTGGCAGGGCAAGGAGAGGAAGGGCAAGCATGATC-3'
Protein context (NP_004399.2, residues 614-634): DSWKASFLRA[Gly624=]VYPERVGDKE